The following is an entry in ClinVar:

NM_139058.3(ARX):c.625G>C (p.Gly209Arg)

Gene: ARX (aristaless related homeobox; minus strand). Cytogenetic location: Xp21.3.
Variant type: single nucleotide variant.
Coding change: c.625G>C on transcript NM_139058.3 (MANE Select); coding-DNA position 625, G replaced by C.
Protein change: p.Gly209Arg; replaces glycine 209 with arginine.
Molecular consequence: missense variant.
Genome position (GRCh38, 1-based): chrX:25,013,370, C>G on the plus strand (G>C on the coding strand, the complement: ARX is on the minus strand). VCF-style: chrX-25013370-C-G. GRCh37 (hg19) VCF-style: chrX-25031487-C-G.
Other names: short protein forms G209R.
Identifiers: ClinVar variation 157760 (VCV000157760.19), dbSNP rs587783203, ClinGen allele CA171158.
Genomic context (GRCh38, chrX:25,013,370, plus strand): 5'-CCTCCTCGTCGTCCTCGGTGCCGGTGCCACCACCCGCAGCCGGGGCGCTGCCCGGGCCGC[C>G]GGCCACGCCGAGGCGCTCCTCCGGGTGCGTGACGCCCCCCGGGCCGCCCAGCTCGTCCAG-3'
Protein context (NP_620689.1, residues 199-219): THPEERLGVA[Gly209Arg]GPGSAPAAGG

ClinVar aggregate classification (germline): Conflicting classifications of pathogenicity. Review status: criteria provided, conflicting classifications (1 of 4 stars). 4 submissions from 4 submitters: Uncertain significance (3); Likely benign (1). Last evaluated 2025-05-14.

Conditions:
Intellectual disability, X-linked, with or without seizures, ARX-related. Also called: MENTAL RETARDATION, X-LINKED 29; MENTAL RETARDATION, X-LINKED 32; MENTAL RETARDATION, X-LINKED 33; MENTAL RETARDATION, X-LINKED 38; MENTAL RETARDATION, X-LINKED 43; MENTAL RETARDATION, X-LINKED 76. Identifiers: Orphanet 777, MedGen C0796244, MONDO:0010317, OMIM 300419.
Developmental and epileptic encephalopathy, 1 (DEE1). Also called: X-linked infantile spasms; West's syndrome; Tonic spasms with clustering, arrest of psychomotor development and hypsarrhythmia on EEG; X-Linked Infantile Spasm Syndrome; Epileptic encephalopathy, early infantile, 1; OHTAHARA SYNDROME, X-LINKED. Identifiers: MedGen C3463992, MONDO:0010632, OMIM 308350. Disease mechanism: loss of function.
epileptic encephalopathy, early infanitle, 1.

Allele frequency attached by ClinVar (database versions not stated): TOPMed 0.00003; 1000 Genomes Project 30x 0.00021.
gnomAD v4.1: 92 of 1,137,997 alleles (0.0081%); highest among the groups gnomAD compares: Non-Finnish European, 0.01%; no homozygotes.

Submissions (4):

Labcorp Genetics (formerly Invitae), Labcorp
Classification: Uncertain significance for Developmental and epileptic encephalopathy, 1; Intellectual disability, X-linked, with or without seizures, ARX-related. Last evaluated: 2025-05-14. Review status: criteria provided, single submitter. Criteria: Invitae Variant Classification Sherloc (09022015). Collection method: clinical testing. Allele origin: germline.
Comment: This sequence change replaces glycine, which is neutral and non-polar, with arginine, which is basic and polar, at codon 209 of the ARX protein (p.Gly209Arg). This variant is present in population databases (rs587783203, gnomAD 0.01%). This variant has not been reported in the literature in individuals affected with ARX-related conditions. ClinVar contains an entry for this variant (Variation ID: 157760). Invitae Evidence Modeling of protein sequence and biophysical properties (such as structural, functional, and spatial information, amino acid conservation, physicochemical variation, residue mobility, and thermodynamic stability) indicates that this missense variant is not expected to disrupt ARX protein function with a negative predictive value of 95%. In summary, the available evidence is currently insufficient to determine the role of this variant in disease. Therefore, it has been classified as a Variant of Uncertain Significance.

GeneDx
Classification: Likely benign. Last evaluated: 2024-02-01. Review status: criteria provided, single submitter. Criteria: GeneDx Variant Classification Process June 2021. Collection method: clinical testing. Allele origin: germline. Affected: yes.
Comment: See Variant Classification Assertion Criteria.

Blueprint Genetics
Classification: Uncertain significance. Last evaluated: 2023-12-14. Review status: criteria provided, single submitter. Criteria: ACMG Guidelines, 2015. Collection method: clinical testing. Allele origin: germline.

Genetic Services Laboratory, University of Chicago
Classification: Uncertain significance for epileptic encephalopathy, early infanitle, 1. Last evaluated: 2013-02-08. Review status: criteria provided, single submitter. Criteria: ACMG Guidelines, 2007. Collection method: clinical testing. Allele origin: germline. Inheritance: X-linked inheritance.